The following is an entry in ClinVar:

ClinVar aggregate classification (germline): Benign/Likely benign. Review status: criteria provided, multiple submitters, no conflicts (2 of 4 stars). 3 submissions from 3 submitters: Benign (1); Likely benign (1). 1 of the submissions does not count toward it. Last evaluated 2021-05-24.

Conditions:
GLI3-related disorder. Also called: GLI3-related disorders; GLI3-related condition. Identifiers: MedGen CN239292.

Allele frequency attached by ClinVar (database versions not stated): gnomAD exomes 0.00021; ExAC 0.00032; ESP Exome Variant Server 0.00046; gnomAD 0.00090 and 0.00093; TOPMed 0.00097; 1000 Genomes Project 0.00180; 1000 Genomes Project 30x 0.00203.
gnomAD v4.1: 266 of 1,613,204 alleles (0.016%); highest among the groups gnomAD compares: African/African-American, 0.31%; no homozygotes.

Submissions (3):

Blueprint Genetics
Classification: Likely benign. Last evaluated: 2021-05-24. Review status: criteria provided, single submitter. Criteria: ACMG Guidelines, 2015. Collection method: clinical testing. Allele origin: germline.

GeneDx
Classification: Benign. Last evaluated: 2020-04-13. Review status: criteria provided, single submitter. Criteria: GeneDx Variant Classification Process June 2021. Collection method: clinical testing. Allele origin: germline. Affected: yes.

PreventionGenetics, part of Exact Sciences
Classification: Likely benign for GLI3-related condition. Last evaluated: 2024-01-18. Review status: no assertion criteria provided. Collection method: clinical testing. Allele origin: germline. Not counted in ClinVar's aggregate classification.
Comment: This variant is classified as likely benign based on ACMG/AMP sequence variant interpretation guidelines (Richards et al. 2015 PMID: 25741868, with internal and published modifications).

NM_000168.6(GLI3):c.*9A>G

Gene: GLI3 (GLI family zinc finger 3; minus strand). Cytogenetic location: 7p14.1.
Variant type: single nucleotide variant.
Coding change: c.*9A>G on transcript NM_000168.6 (MANE Select); 9 bases downstream of the stop codon, A replaced by G.
Molecular consequence: 3 prime UTR variant.
Genome position (GRCh38, 1-based): chr7:41,964,321, T>C on the plus strand (A>G on the coding strand, the complement: GLI3 is on the minus strand). VCF-style: chr7-41964321-T-C. GRCh37 (hg19) VCF-style: chr7-42003919-T-C.
Other names: c.*9A>G (NM_000168.5).
Identifiers: ClinVar variation 1264840 (VCV001264840.5), dbSNP rs187024593, ClinGen allele CA4230057.